The following is an entry in ClinVar:

ClinVar aggregate classification (germline): Conflicting classifications of pathogenicity. Review status: criteria provided, conflicting classifications (1 of 4 stars). 2 submissions from 2 submitters: Uncertain significance (1); Likely benign (1). Last evaluated 2025-03-17.

Allele frequency attached by ClinVar (database versions not stated): TOPMed below 0.00001; ExAC 0.00001; gnomAD exomes 0.00001.
gnomAD v4.1: 23 of 1,614,118 alleles (0.0014%); highest among the groups gnomAD compares: Non-Finnish European, 0.0017%; no homozygotes.

Submissions (2):

Labcorp Genetics (formerly Invitae), Labcorp
Classification: Uncertain significance. Last evaluated: 2025-03-17. Review status: criteria provided, single submitter. Criteria: Invitae Variant Classification Sherloc (09022015). Collection method: clinical testing. Allele origin: germline.
Comment: This sequence change falls in intron 12 of the SNRNP200 gene. It does not directly change the encoded amino acid sequence of the SNRNP200 protein. It affects a nucleotide within the consensus splice site. This variant is present in population databases (rs752525238, gnomAD 0.007%). This variant has not been reported in the literature in individuals affected with SNRNP200-related conditions. ClinVar contains an entry for this variant (Variation ID: 1427830). Variants that disrupt the consensus splice site are a relatively common cause of aberrant splicing (PMID: 17576681, 9536098). Algorithms developed to predict the effect of sequence changes on RNA splicing suggest that this variant is not likely to affect RNA splicing. In summary, the available evidence is currently insufficient to determine the role of this variant in disease. Therefore, it has been classified as a Variant of Uncertain Significance.

Blueprint Genetics
Classification: Likely benign. Last evaluated: 2022-11-10. Review status: criteria provided, single submitter. Criteria: ACMG Guidelines, 2015. Collection method: clinical testing. Allele origin: germline.

Literature cited by the submitters: PubMed 17576681 (cited by Labcorp Genetics (formerly Invitae), Labcorp); PubMed 9536098 (cited by Labcorp Genetics (formerly Invitae), Labcorp).

NM_014014.5(SNRNP200):c.1516-3T>C

Gene: SNRNP200 (small nuclear ribonucleoprotein U5 subunit 200; minus strand). Cytogenetic location: 2q11.2.
Variant type: single nucleotide variant.
Coding change: c.1516-3T>C on transcript NM_014014.5 (MANE Select); 3 bases into the intron before coding-DNA position 1516, T replaced by C.
Molecular consequence: intron variant.
Genome position (GRCh38, 1-based): chr2:96,296,694, A>G on the plus strand (T>C on the coding strand, the complement: SNRNP200 is on the minus strand). VCF-style: chr2-96296694-A-G. GRCh37 (hg19) VCF-style: chr2-96962432-A-G.
Identifiers: ClinVar variation 1427830 (VCV001427830.7), dbSNP rs752525238, ClinGen allele CA1778900.